The following is an entry in ClinVar:

NM_000135.4(FANCA):c.826+4A>G

Gene: FANCA (FA complementation group A; minus strand). Cytogenetic location: 16q24.3.
Variant type: single nucleotide variant.
Coding change: c.826+4A>G on transcript NM_000135.4 (MANE Select); 4 bases into the intron after coding-DNA position 826, A replaced by G.
Molecular consequence: intron variant.
Genome position (GRCh38, 1-based): chr16:89,799,601, T>C on the plus strand (A>G on the coding strand, the complement: FANCA is on the minus strand). VCF-style: chr16-89799601-T-C. GRCh37 (hg19) VCF-style: chr16-89866009-T-C.
Other names: c.826+4A>G (NM_001286167.3, NM_001018112.3); c.730+4A>G (NM_001351830.2).
Identifiers: ClinVar variation 1948326 (VCV001948326.3), dbSNP rs768013610, ClinGen allele CA8252760.

ClinVar aggregate classification (germline): Uncertain significance. Review status: criteria provided, multiple submitters, no conflicts (2 of 4 stars). 2 submissions from 2 submitters: Uncertain significance (2). Last evaluated 2022-09-07.

Conditions:
Fanconi anemia (FA). Also called: Fanconi's anemia. Identifiers: Orphanet 84, MedGen C0015625, MeSH D005199, MONDO:0019391.

Allele frequency attached by ClinVar (database versions not stated): gnomAD exomes below 0.00001; ExAC 0.00001.
gnomAD v4.1: 2 of 1,613,290 alleles (0.00012%); highest among the groups gnomAD compares: Admixed American, 0.0017%; no homozygotes.

Submissions (2):

Labcorp Genetics (formerly Invitae), Labcorp
Classification: Uncertain significance for Fanconi anemia. Last evaluated: 2022-09-07. Review status: criteria provided, single submitter. Criteria: Invitae Variant Classification Sherloc (09022015). Collection method: clinical testing. Allele origin: germline.
Comment: This sequence change falls in intron 9 of the FANCA gene. It does not directly change the encoded amino acid sequence of the FANCA protein. It affects a nucleotide within the consensus splice site. This variant is present in population databases (rs768013610, gnomAD 0.003%). This variant has been observed in individual(s) with clinical features of Fanconi anemia (Invitae). In at least one individual the data is consistent with being in trans (on the opposite chromosome) from a pathogenic variant. Variants that disrupt the consensus splice site are a relatively common cause of aberrant splicing (PMID: 17576681, 9536098). Algorithms developed to predict the effect of sequence changes on RNA splicing suggest that this variant may disrupt the consensus splice site. In summary, the available evidence is currently insufficient to determine the role of this variant in disease. Therefore, it has been classified as a Variant of Uncertain Significance.

Blueprint Genetics
Classification: Uncertain significance. Last evaluated: 2021-05-04. Review status: criteria provided, single submitter. Criteria: ACMG Guidelines, 2015. Collection method: clinical testing. Allele origin: germline.

Literature cited by the submitters: PubMed 17576681 (cited by Labcorp Genetics (formerly Invitae), Labcorp); PubMed 9536098 (cited by Labcorp Genetics (formerly Invitae), Labcorp).